The following is an entry in ClinVar:

ClinVar aggregate classification (germline): Pathogenic (1 of 4 stars; one submission).

Conditions:
Nemaline myopathy 2 (NEM2). Also called: Nemaline myopathy 2, autosomal recessive. Identifiers: MedGen C1850569, MONDO:0009725, OMIM 256030.

Submission:

Labcorp Genetics (formerly Invitae), Labcorp
Classification: Pathogenic for Nemaline myopathy 2. Last evaluated: 2020-08-25. Review status: criteria provided, single submitter. Criteria: Invitae Variant Classification Sherloc (09022015). Collection method: clinical testing. Allele origin: germline.
Comment: This sequence change creates a premature translational stop signal (p.Tyr361*) in the NEB gene. It is expected to result in an absent or disrupted protein product. This variant is not present in population databases (ExAC no frequency). This variant has not been reported in the literature in individuals with NEB-related conditions. Loss-of-function variants in NEB are known to be pathogenic (PMID: 25205138). For these reasons, this variant has been classified as Pathogenic.

Literature cited by the submitters: PubMed 25205138.

NM_001164508.2(NEB):c.1083T>A (p.Tyr361Ter)

Gene: NEB (nebulin; minus strand). Cytogenetic location: 2q23.3.
Variant type: single nucleotide variant.
Coding change: c.1083T>A on transcript NM_001164508.2 (MANE Select); coding-DNA position 1083, T replaced by A.
Protein change: p.Tyr361Ter; replaces tyrosine 361 with a stop codon.
Molecular consequence: nonsense.
Genome position (GRCh38, 1-based): chr2:151,706,950, A>T on the plus strand (T>A on the coding strand, the complement: NEB is on the minus strand). VCF-style: chr2-151706950-A-T. GRCh37 (hg19) VCF-style: chr2-152563464-A-T.
Other names: c.1083T>A, p.Tyr361Ter (NM_001164507.2, NM_001271208.2, NM_004543.5); short protein forms Y361*.
Identifiers: ClinVar variation 1071349 (VCV001071349.7), dbSNP rs2149872738, ClinGen allele CA348826205.